The following is an entry in ClinVar:

ClinVar aggregate classification (germline): Pathogenic (1 of 4 stars; one submission).

Conditions:
Familial cancer of breast. Also called: Hereditary breast cancer; BREAST CANCER, FAMILIAL; hereditary breast carcinoma. Identifiers: Orphanet 227535, MedGen C0346153, MONDO:0016419, OMIM 114480. Disease mechanism: loss of function.

Submission:

Labcorp Genetics (formerly Invitae), Labcorp
Classification: Pathogenic for Familial cancer of breast. Last evaluated: 2024-12-10. Review status: criteria provided, single submitter. Criteria: Invitae Variant Classification Sherloc (09022015). Collection method: clinical testing. Allele origin: germline.
Comment: This sequence change creates a premature translational stop signal (p.Ser37Ilefs*21) in the BARD1 gene. It is expected to result in an absent or disrupted protein product. Loss-of-function variants in BARD1 are known to be pathogenic (PMID: 20077502, 21344236). This variant is not present in population databases (gnomAD no frequency). This variant has not been reported in the literature in individuals affected with BARD1-related conditions. For these reasons, this variant has been classified as Pathogenic.

Literature cited by the submitters: PubMed 20077502; PubMed 21344236.

NM_000465.4(BARD1):c.110del (p.Ser37fs)

Gene: BARD1 (BRCA1 associated RING domain 1; minus strand). Cytogenetic location: 2q35.
Variant type: Deletion.
Coding change: c.110del on transcript NM_000465.4 (MANE Select); coding-DNA position 110, one base deleted (G; older notation c.110delG).
Protein change: p.Ser37fs; shifts the reading frame from serine 37.
Molecular consequence: frameshift variant. On other transcripts: non-coding transcript variant (3).
Genome position (GRCh38, 1-based): chr2:214,809,460, C deleted on the plus strand (G on the coding strand, the reverse complement: BARD1 is on the minus strand). VCF-style (leftmost placement, unchanged base first): chr2-214809459-AC-A. GRCh37 (hg19) VCF-style: chr2-215674183-AC-A.
Other names: c.110del, p.Ser37fs (NM_001282543.2, NM_001282545.2, NM_001282548.2 and 1 more transcripts); short protein forms S37fs.
Identifiers: ClinVar variation 3726982 (VCV003726982.2).
Genomic context (GRCh38, chr2:214,809,459, plus strand): 5'-GCTCCGTCTTTACCAACGCGAGCAGCGCAGCAGCTTCTCCAGGCGGTCGAGCGCGGCGCG[AC>A]TGTGGGCCCAGGCACCGCGACCATCCGGTTCCATGGCGGGCGCGGAACGAGGCTCGTTCC-3'